The following is an entry in ClinVar:

ClinVar aggregate classification (germline): Uncertain significance. Review status: criteria provided, multiple submitters, no conflicts (2 of 4 stars). 3 submissions from 3 submitters: Uncertain significance (3). Last evaluated 2023-12-08.

Conditions:
Developmental and epileptic encephalopathy, 42 (DEE42A). Also called: DEVELOPMENTAL AND EPILEPTIC ENCEPHALOPATHY 42A; EPILEPTIC ENCEPHALOPATHY, EARLY INFANTILE, 42A; Epileptic encephalopathy, early infantile, 42. Identifiers: MedGen C4310716, MONDO:0014917, OMIM 617106.
Episodic ataxia type 2 (EA2). Also called: ATAXIA, EPISODIC, WITH NYSTAGMUS; ATAXIA, FAMILIAL PAROXYSMAL; CEREBELLAR ATAXIA, PAROXYSMAL, ACETAZOLAMIDE-RESPONSIVE; ACETAZOLAMIDE-RESPONSIVE HEREDITARY PAROXYSMAL CEREBELLAR ATAXIA; CEREBELLOPATHY, HEREDITARY PAROXYSMAL; EPISODIC ATAXIA, NYSTAGMUS-ASSOCIATED. Identifiers: Orphanet 97, MedGen C1720416, MONDO:0007163, OMIM 108500.

Allele frequency attached by ClinVar (database versions not stated): gnomAD 0.00003; TOPMed 0.00002.

Submissions (3):

Women's Health and Genetics/Laboratory Corporation of America, LabCorp
Classification: Uncertain significance. Last evaluated: 2023-12-08. Review status: criteria provided, single submitter. Criteria: LabCorp Variant Classification Summary - May 2015. Collection method: clinical testing. Allele origin: germline.
Comment: Variant summary: CACNA1A c.35A>G (p.Tyr12Cys) results in a non-conservative amino acid change in the encoded protein sequence. Four of five in-silico tools predict a damaging effect of the variant on protein function. The variant allele was found at a frequency of 6.4e-05 in 31312 control chromosomes. The available data on variant occurrences in the general population are insufficient to allow any conclusion about variant significance. To our knowledge, no occurrence of c.35A>G in individuals affected with Epileptic Encephalopathy, Early Infantile, 42 and no experimental evidence demonstrating its impact on protein function have been reported. Two submitters have cited clinical-significance assessments for this variant to ClinVar after 2014. All submitters classified the variant as uncertain significance. Based on the evidence outlined above, the variant was classified as uncertain significance.

Labcorp Genetics (formerly Invitae), Labcorp
Classification: Uncertain significance for Developmental and epileptic encephalopathy, 42; Episodic ataxia type 2. Last evaluated: 2023-07-09. Review status: criteria provided, single submitter. Criteria: Invitae Variant Classification Sherloc (09022015). Collection method: clinical testing. Allele origin: germline.
Comment: In summary, the available evidence is currently insufficient to determine the role of this variant in disease. Therefore, it has been classified as a Variant of Uncertain Significance. Advanced modeling of protein sequence and biophysical properties (such as structural, functional, and spatial information, amino acid conservation, physicochemical variation, residue mobility, and thermodynamic stability) has been performed at Invitae for this missense variant, however the output from this modeling did not meet the statistical confidence thresholds required to predict the impact of this variant on CACNA1A protein function. ClinVar contains an entry for this variant (Variation ID: 956551). This variant has not been reported in the literature in individuals affected with CACNA1A-related conditions. The frequency data for this variant in the population databases is considered unreliable, as metrics indicate poor data quality at this position in the gnomAD database. This sequence change replaces tyrosine, which is neutral and polar, with cysteine, which is neutral and slightly polar, at codon 12 of the CACNA1A protein (p.Tyr12Cys).

Revvity Omics, Revvity
Classification: Uncertain significance. Last evaluated: 2020-10-16. Review status: criteria provided, single submitter. Criteria: ACMG Guidelines, 2015. Collection method: clinical testing. Allele origin: germline.

NM_001127222.2(CACNA1A):c.35A>G (p.Tyr12Cys)

Gene: CACNA1A (calcium voltage-gated channel subunit alpha1 A; minus strand). Cytogenetic location: 19p13.13.
Variant type: single nucleotide variant.
Coding change: c.35A>G on transcript NM_001127222.2 (MANE Select); coding-DNA position 35, A replaced by G.
Protein change: p.Tyr12Cys; replaces tyrosine 12 with cysteine.
Molecular consequence: missense variant.
Genome position (GRCh38, 1-based): chr19:13,506,190, T>C on the plus strand (A>G on the coding strand, the complement: CACNA1A is on the minus strand). VCF-style: chr19-13506190-T-C. GRCh37 (hg19) VCF-style: chr19-13617004-T-C.
Other names: c.35A>G, p.Tyr12Cys (NM_000068.4, NM_001127221.2, NM_001174080.2 and 1 more transcripts); short protein forms Y12C.
Identifiers: ClinVar variation 956551 (VCV000956551.10), dbSNP rs994265107, ClinGen allele CA305562806.
Genomic context (GRCh38, chr19:13,506,190, plus strand): 5'-CCTCGCCCGCCTCCGCTGCCCACGACCACCCCGGCGGCTGCCCCGGAGCCTCCTCCCCCG[T>C]AGCGGGCCGGCATCTCGTCTCCGAAGCGGGCCATTCTGCAAAGAGCAAAGGGCTCCGGGT-3'
Protein context (NP_001120694.1, residues 2-22): ARFGDEMPAR[Tyr12Cys]GGGGSGAAAG